The following is an entry in ClinVar:

ClinVar aggregate classification (germline): Uncertain significance. Review status: criteria provided, multiple submitters, no conflicts (2 of 4 stars). 2 submissions from 2 submitters: Uncertain significance (2). Last evaluated 2025-06-24.

Conditions:
Inborn genetic diseases. Identifiers: MedGen C0950123, MeSH D030342.

Allele frequency attached by ClinVar (database versions not stated): gnomAD 0.00004 and 0.00005; gnomAD exomes 0.00005 and 0.00009; ExAC 0.00007; TOPMed 0.00012; 1000 Genomes Project 30x 0.00016; 1000 Genomes Project 0.00020.
gnomAD v4.1: 95 of 1,612,890 alleles (0.0059%); highest among the groups gnomAD compares: Middle Eastern, 0.066%; no homozygotes.

Submissions (2):

Ambry Genetics
Classification: Uncertain significance for Inborn genetic diseases. Last evaluated: 2025-06-24. Review status: criteria provided, single submitter. Criteria: Ambry Variant Classification Scheme 2023. Collection method: clinical testing. Allele origin: germline.

Labcorp Genetics (formerly Invitae), Labcorp
Classification: Uncertain significance. Last evaluated: 2022-10-05. Review status: criteria provided, single submitter. Criteria: Invitae Variant Classification Sherloc (09022015). Collection method: clinical testing. Allele origin: germline.
Comment: In summary, the available evidence is currently insufficient to determine the role of this variant in disease. Therefore, it has been classified as a Variant of Uncertain Significance. Algorithms developed to predict the effect of missense changes on protein structure and function (SIFT, PolyPhen-2, Align-GVGD) all suggest that this variant is likely to be tolerated. ClinVar contains an entry for this variant (Variation ID: 1493160). This variant has not been reported in the literature in individuals affected with LAMA5-related conditions. This variant is present in population databases (rs375524294, gnomAD 0.03%). This sequence change replaces alanine, which is neutral and non-polar, with valine, which is neutral and non-polar, at codon 907 of the LAMA5 protein (p.Ala907Val).

NM_005560.6(LAMA5):c.2720C>T (p.Ala907Val)

Gene: LAMA5 (laminin subunit alpha 5; minus strand). Cytogenetic location: 20q13.33.
Variant type: single nucleotide variant.
Coding change: c.2720C>T on transcript NM_005560.6 (MANE Select); coding-DNA position 2720, C replaced by T.
Protein change: p.Ala907Val; replaces alanine 907 with valine.
Molecular consequence: missense variant.
Genome position (GRCh38, 1-based): chr20:62,334,205, G>A on the plus strand (C>T on the coding strand, the complement: LAMA5 is on the minus strand). VCF-style: chr20-62334205-G-A. GRCh37 (hg19) VCF-style: chr20-60909261-G-A.
Other names: c.2720C>T (NM_005560.3); short protein forms A907V.
Identifiers: ClinVar variation 1493160 (VCV001493160.7), dbSNP rs375524294, ClinGen allele CA9943362.
Genomic context (GRCh38, chr20:62,334,205, plus strand): 5'-CACTTCTAGGCTGAGCCTGGGAGGGGGAGCACAGCGCCCACCTGGACAGGTGCCATCTGC[G>A]CGTAGCCCCTCCAGCTGAAGTTCTCGAACTCGAGGGGGTTGAAGCCAAAGCGCACGGCGT-3'
Protein context (NP_005551.3, residues 897-917): EFENFSWRGY[Ala907Val]QMAPVQPRIV